The following is an entry in ClinVar:

NM_003647.3(DGKE):c.953A>G (p.Asn318Ser)

Gene: DGKE (diacylglycerol kinase epsilon; plus strand). Cytogenetic location: 17q22.
Variant type: single nucleotide variant.
Coding change: c.953A>G on transcript NM_003647.3 (MANE Select); coding-DNA position 953, A replaced by G.
Protein change: p.Asn318Ser; replaces asparagine 318 with serine.
Molecular consequence: missense variant.
Genome position (GRCh38, 1-based): chr17:56,848,760, A>G. VCF-style: chr17-56848760-A-G. GRCh37 (hg19) VCF-style: chr17-54926121-A-G.
Other names: short protein forms N318S.
Identifiers: ClinVar variation 4764931 (VCV004764931.1).

ClinVar aggregate classification (germline): Uncertain significance (1 of 4 stars; one submission).

gnomAD v4.1: 12 of 1,614,160 alleles (0.00074%); highest among the groups gnomAD compares: South Asian, 0.0022%; no homozygotes.

Submission:

Labcorp Genetics (formerly Invitae), Labcorp
Classification: Uncertain significance. Last evaluated: 2025-03-12. Review status: criteria provided, single submitter. Criteria: Invitae Variant Classification Sherloc (09022015). Collection method: clinical testing. Allele origin: germline.
Comment: This sequence change replaces asparagine, which is neutral and polar, with serine, which is neutral and polar, at codon 318 of the DGKE protein (p.Asn318Ser). This variant is present in population databases (no rsID available, gnomAD 0.006%). This variant has not been reported in the literature in individuals affected with DGKE-related conditions. Invitae Evidence Modeling of protein sequence and biophysical properties (such as structural, functional, and spatial information, amino acid conservation, physicochemical variation, residue mobility, and thermodynamic stability) has been performed for this missense variant. However, the output from this modeling did not meet the statistical confidence thresholds required to predict the impact of this variant on DGKE protein function. In summary, the available evidence is currently insufficient to determine the role of this variant in disease. Therefore, it has been classified as a Variant of Uncertain Significance.